The following is an entry in ClinVar:

NM_000264.5(PTCH1):c.503A>C (p.Asn168Thr)

Gene: PTCH1 (patched 1; minus strand). Cytogenetic location: 9q22.32.
Variant type: single nucleotide variant.
Coding change: c.503A>C on transcript NM_000264.5 (MANE Select); coding-DNA position 503, A replaced by C.
Protein change: p.Asn168Thr; replaces asparagine 168 with threonine.
Molecular consequence: missense variant. On other transcripts: non-coding transcript variant (1).
Genome position (GRCh38, 1-based): chr9:95,485,766, T>G on the plus strand (A>C on the coding strand, the complement: PTCH1 is on the minus strand). VCF-style: chr9-95485766-T-G. GRCh37 (hg19) VCF-style: chr9-98248048-T-G.
Other names: c.305A>C, p.Asn102Thr (NM_001083602.3, NM_001354919.2); c.500A>C, p.Asn167Thr (NM_001083603.3); c.50A>C, p.Asn17Thr (NM_001083604.3, NM_001083605.3, NM_001083606.3 and 1 more transcripts); c.503A>C, p.Asn168Thr (NM_001354918.2); short protein forms N102T, N167T, N168T, N17T.
Identifiers: ClinVar variation 1721692 (VCV001721692.6), dbSNP rs2538268052, ClinGen allele CA374116913.
Genomic context (GRCh38, chr9:95,485,766, plus strand): 5'-ACACGGCTGGCCTGGAGTGCCGAGTCCAGGTGTTGTAGGAGCGCTTCTGTGGTCAGGACA[T>G]TAGCACCTTCTTCTTTAGGGGTCTGTATCATGAGTTGAGGATTAAACATAGCCTCTTCTC-3'
Protein context (NP_000255.2, residues 158-178): MIQTPKEEGA[Asn168Thr]VLTTEALLQH

ClinVar aggregate classification (germline): Uncertain significance (1 of 4 stars; one submission).

Conditions:
Gorlin syndrome. Also called: Basal cell nevus syndrome; Nevoid Basal Cell Carcinoma Syndrome. Identifiers: Orphanet 377, MedGen C0004779, MONDO:0007187.

Allele frequency attached by ClinVar (database versions not stated): gnomAD exomes below 0.00001.
gnomAD v4.1: 1 of 1,614,200 alleles (0.000062%); highest among the groups gnomAD compares: Non-Finnish European, 0.000085%; no homozygotes.

Submission:

Labcorp Genetics (formerly Invitae), Labcorp
Classification: Uncertain significance for Gorlin syndrome. Last evaluated: 2024-01-05. Review status: criteria provided, single submitter. Criteria: Invitae Variant Classification Sherloc (09022015). Collection method: clinical testing. Allele origin: germline.
Comment: This sequence change replaces asparagine, which is neutral and polar, with threonine, which is neutral and polar, at codon 168 of the PTCH1 protein (p.Asn168Thr). This variant is not present in population databases (gnomAD no frequency). This variant has not been reported in the literature in individuals affected with PTCH1-related conditions. ClinVar contains an entry for this variant (Variation ID: 1721692). Advanced modeling of protein sequence and biophysical properties (such as structural, functional, and spatial information, amino acid conservation, physicochemical variation, residue mobility, and thermodynamic stability) performed at Invitae indicates that this missense variant is not expected to disrupt PTCH1 protein function with a negative predictive value of 95%. In summary, the available evidence is currently insufficient to determine the role of this variant in disease. Therefore, it has been classified as a Variant of Uncertain Significance.